The following is an entry in ClinVar:

NM_004360.5(CDH1):c.769G>T (p.Asp257Tyr)

Gene: CDH1 (cadherin 1; plus strand). Cytogenetic location: 16q22.1.
Variant type: single nucleotide variant.
Coding change: c.769G>T on transcript NM_004360.5 (MANE Select); coding-DNA position 769, G replaced by T.
Protein change: p.Asp257Tyr; replaces aspartic acid 257 with tyrosine.
Molecular consequence: missense variant. On other transcripts: 5 prime UTR variant (2).
Genome position (GRCh38, 1-based): chr16:68,810,278, G>T. VCF-style: chr16-68810278-G-T. GRCh37 (hg19) VCF-style: chr16-68844181-G-T.
Other names: c.769G>T, p.Asp257Tyr (NM_001317184.2); c.-847G>T (NM_001317185.2); c.-1051G>T (NM_001317186.2); short protein forms D257Y.
Identifiers: ClinVar variation 5033990 (VCV005033990.1).

ClinVar aggregate classification (germline): Uncertain significance (1 of 4 stars; one submission).

Conditions:
Hereditary cancer-predisposing syndrome. Also called: Neoplastic Syndromes, Hereditary; Tumor predisposition; Hereditary neoplastic syndrome; Hereditary Cancer Syndrome. Identifiers: Orphanet 140162, MedGen C0027672, MeSH D009386, MONDO:0015356.

Submission:

Ambry Genetics
Classification: Uncertain significance for Hereditary cancer-predisposing syndrome. Last evaluated: 2026-07-07. Review status: criteria provided, single submitter. Criteria: Ambry Variant Classification Scheme 2023. Collection method: clinical testing. Allele origin: germline.
Comment: The p.D257Y variant (also known as c.769G>T), located in coding exon 6 of the CDH1 gene, results from a G to T substitution at nucleotide position 769. The aspartic acid at codon 257 is replaced by tyrosine, an amino acid with highly dissimilar properties. This amino acid position is conserved. In addition, this alteration is predicted to be deleterious by in silico analysis. Based on the available evidence, the clinical significance of this variant remains unclear.